The following is an entry in ClinVar:

NM_000059.4(BRCA2):c.9140A>G (p.Gln3047Arg)

Gene: BRCA2 (BRCA2 DNA repair associated; plus strand). Cytogenetic location: 13q13.1.
Variant type: single nucleotide variant.
Coding change: c.9140A>G on transcript NM_000059.4 (MANE Select); coding-DNA position 9140, A replaced by G.
Protein change: p.Gln3047Arg; replaces glutamine 3047 with arginine.
Molecular consequence: missense variant.
Genome position (GRCh38, 1-based): chr13:32,380,029, A>G. VCF-style: chr13-32380029-A-G. GRCh37 (hg19) VCF-style: chr13-32954166-A-G.
Other names: c.9044A>G, p.Gln3015Arg (NM_001406719.1); c.9089A>G, p.Gln3030Arg (NM_001406720.1); c.4208A>G, p.Gln1403Arg (NM_001406721.1); c.2723A>G, p.Gln908Arg (NM_001406722.1); short protein forms Q3030R, Q3047R, Q3015R, Q908R, Q1403R.
Identifiers: ClinVar variation 1765945 (VCV001765945.3), dbSNP rs2137624688, ClinGen allele CA387757856.

ClinVar aggregate classification (germline): Uncertain significance. Review status: criteria provided, multiple submitters, no conflicts (2 of 4 stars). 2 submissions from 2 submitters: Uncertain significance (2). Last evaluated 2023-09-17.

Conditions:
Hereditary cancer-predisposing syndrome. Also called: Neoplastic Syndromes, Hereditary; Tumor predisposition; Hereditary neoplastic syndrome; Hereditary Cancer Syndrome. Identifiers: Orphanet 140162, MedGen C0027672, MeSH D009386, MONDO:0015356.
Breast-ovarian cancer, familial, susceptibility to, 2 (BROVCA2). Also called: BRCA2 Hereditary Breast and Ovarian Cancer. Identifiers: Orphanet 145, MedGen C2675520, MONDO:0012933, OMIM 612555. Disease mechanism: loss of function.

Submissions (2):

All of Us Research Program, National Institutes of Health
Classification: Uncertain significance for Breast-ovarian cancer, familial, susceptibility to, 2. Last evaluated: 2023-09-17. Review status: criteria provided, single submitter. Criteria: ACMG Guidelines, 2015. Collection method: clinical testing. Allele origin: germline. Inheritance: Autosomal dominant inheritance. Observed: 1 variant allele, 1 heterozygote.
Comment: This missense variant replaces glutamine with arginine at codon 3047 of the BRCA2 protein. Computational prediction suggests that this variant may not impact protein structure and function (internally defined REVEL score threshold <= 0.5, PMID: 27666373). To our knowledge, functional studies have not been reported for this variant. This variant has not been reported in individuals affected with BRCA2-related disorders in the literature. This variant has not been identified in the general population by the Genome Aggregation Database (gnomAD). The available evidence is insufficient to determine the role of this variant in disease conclusively. Therefore, this variant is classified as a Variant of Uncertain Significance.

This study involves interpretation of variants in research participants for the purpose of population health screening. Participant phenotype was not available at the time of variant classification. Additional details can be found in publication PMID: 35346344, PMCID: PMC8962531

Ambry Genetics
Classification: Uncertain significance for Hereditary cancer-predisposing syndrome. Last evaluated: 2021-04-14. Review status: criteria provided, single submitter. Criteria: Ambry Variant Classification Scheme 2023. Collection method: clinical testing. Allele origin: germline.
Comment: The p.Q3047R variant (also known as c.9140A>G), located in coding exon 23 of the BRCA2 gene, results from an A to G substitution at nucleotide position 9140. The glutamine at codon 3047 is replaced by arginine, an amino acid with highly similar properties. This amino acid position is not well conserved in available vertebrate species. In addition, the in silico prediction for this alteration is inconclusive. Since supporting evidence is limited at this time, the clinical significance of this alteration remains unclear.